The following is an entry in ClinVar:

NM_000094.4(COL7A1):c.7164G>A (p.Lys2388=)

Gene: COL7A1 (collagen type VII alpha 1 chain; minus strand). Cytogenetic location: 3p21.31.
Variant type: single nucleotide variant.
Coding change: c.7164G>A on transcript NM_000094.4 (MANE Select); coding-DNA position 7164, G replaced by A.
Protein change: p.Lys2388=; no amino-acid change (lysine 2388 retained).
Molecular consequence: synonymous variant.
Genome position (GRCh38, 1-based): chr3:48,571,101, C>T on the plus strand (G>A on the coding strand, the complement: COL7A1 is on the minus strand). VCF-style: chr3-48571101-C-T. GRCh37 (hg19) VCF-style: chr3-48608534-C-T.
Identifiers: ClinVar variation 2163132 (VCV002163132.1), dbSNP rs538295287, ClinGen allele CA2378629.

ClinVar aggregate classification (germline): Uncertain significance (1 of 4 stars; one submission).

Allele frequency attached by ClinVar (database versions not stated): gnomAD 0.00001; TOPMed 0.00001; gnomAD exomes 0.00002; ExAC 0.00006; 1000 Genomes Project 0.00020; 1000 Genomes Project 30x 0.00031.
gnomAD v4.1: 26 of 1,613,922 alleles (0.0016%); highest among the groups gnomAD compares: East Asian, 0.038%; no homozygotes.

Submission:

Labcorp Genetics (formerly Invitae), Labcorp
Classification: Uncertain significance. Last evaluated: 2022-08-09. Review status: criteria provided, single submitter. Criteria: Invitae Variant Classification Sherloc (09022015). Collection method: clinical testing. Allele origin: germline.
Comment: This sequence change affects codon 2388 of the COL7A1 mRNA. It is a 'silent' change, meaning that it does not change the encoded amino acid sequence of the COL7A1 protein. This variant also falls at the last nucleotide of exon 93, which is part of the consensus splice site for this exon. This variant is present in population databases (rs538295287, gnomAD 0.05%). This variant has not been reported in the literature in individuals affected with COL7A1-related conditions. Variants that disrupt the consensus splice site are a relatively common cause of aberrant splicing (PMID: 17576681, 9536098). Algorithms developed to predict the effect of sequence changes on RNA splicing suggest that this variant may create or strengthen a splice site. In summary, the available evidence is currently insufficient to determine the role of this variant in disease. Therefore, it has been classified as a Variant of Uncertain Significance.

Literature cited by the submitters: PubMed 17576681; PubMed 9536098.